The following is an entry in ClinVar:

NM_002491.3(NDUFB3):c.22_33del (p.4EHGH[1])

Gene: NDUFB3 (NADH:ubiquinone oxidoreductase subunit B3; plus strand). Cytogenetic location: 2q33.1.
Variant type: Deletion.
Coding change: c.22_33del on transcript NM_002491.3 (MANE Select); coding-DNA positions 22 to 33, 12 bases deleted (GAGCATGGACAT).
Protein change: p.4EHGH[1].
Molecular consequence: inframe deletion.
Genome position (GRCh38, 1-based): chr2:201,078,904-201,078,915, GAGCATGGACAT deleted; deleting any 12 consecutive bases within chr2:201,078,895-201,078,915 gives the same sequence; the c. name uses the placement nearest the transcript's 3' end. VCF-style (leftmost placement, unchanged base first): chr2-201078894-ACATGGACATGAG-A. GRCh37 (hg19) VCF-style: chr2-201943617-ACATGGACATGAG-A.
Other names: c.22_33del, p.4EHGH[1] (NM_001257102.2).
Identifiers: ClinVar variation 1490753 (VCV001490753.8), dbSNP rs1352857089, ClinGen allele CA538928164.
Genomic context (GRCh38, chr2:201,078,894, plus strand): 5'-ATCTACAATTTGCATATTTCTCACTTGTGTTAATCTTTTCCTTACAGACATGGCCCATGA[ACATGGACATGAG>A]CATGGACATCATAAAATGGAACTTCCAGATTATAGACAATGGAAGATAGAAGGGACACCA-3'

ClinVar aggregate classification (germline): Uncertain significance (1 of 4 stars; one submission).

Submission:

Labcorp Genetics (formerly Invitae), Labcorp
Classification: Uncertain significance. Last evaluated: 2022-07-19. Review status: criteria provided, single submitter. Criteria: Invitae Variant Classification Sherloc (09022015). Collection method: clinical testing. Allele origin: germline.
Comment: In summary, the available evidence is currently insufficient to determine the role of this variant in disease. Therefore, it has been classified as a Variant of Uncertain Significance. This variant, c.22_33del, results in the deletion of 4 amino acid(s) of the NDUFB3 protein (p.Glu8_His11del), but otherwise preserves the integrity of the reading frame. Experimental studies and prediction algorithms are not available or were not evaluated, and the functional significance of this variant is currently unknown. ClinVar contains an entry for this variant (Variation ID: 1490753). This variant has not been reported in the literature in individuals affected with NDUFB3-related conditions. The frequency data for this variant in the population databases is considered unreliable, as metrics indicate poor data quality at this position in the gnomAD database.